The following is an entry in ClinVar:

NM_004817.4(TJP2):c.911G>A (p.Gly304Glu)

Gene: TJP2 (tight junction protein 2; plus strand). Cytogenetic location: 9q21.11.
Variant type: single nucleotide variant.
Coding change: c.911G>A on transcript NM_004817.4 (MANE Select); coding-DNA position 911, G replaced by A.
Protein change: p.Gly304Glu; replaces glycine 304 with glutamic acid.
Molecular consequence: missense variant.
Genome position (GRCh38, 1-based): chr9:69,221,455, G>A. VCF-style: chr9-69221455-G-A. GRCh37 (hg19) VCF-style: chr9-71836371-G-A.
Other names: c.911G>A, p.Gly304Glu (LRG_1201t1, NM_001369872.1, NM_001369873.1 and 1 more transcripts); c.842G>A, p.Gly281Glu (NM_001170414.2, NM_001369870.1, NM_001369871.1); c.923G>A, p.Gly308Glu (NM_001170415.1, NM_001369874.1, NM_001369875.1); c.1004G>A, p.Gly335Glu (NM_001170416.2); short protein forms G304E, G335E, G281E, G308E.
Identifiers: ClinVar variation 287707 (VCV000287707.16), dbSNP rs200222645, ClinGen allele CA5073128.

ClinVar aggregate classification (germline): Conflicting classifications of pathogenicity. Review status: criteria provided, conflicting classifications (1 of 4 stars). 3 submissions from 3 submitters: Uncertain significance (1); Likely benign (1). 1 of the submissions does not count toward it. Last evaluated 2025-07-08.

Conditions:
TJP2-related disorder. Also called: TJP2-related condition.

Allele frequency attached by ClinVar (database versions not stated): gnomAD exomes 0.00020 and 0.00034; 1000 Genomes Project 0.00060; gnomAD 0.00005 and 0.00013; TOPMed 0.00012; 1000 Genomes Project 30x 0.00062; ExAC 0.00064.
gnomAD v4.1: 301 of 1,596,986 alleles (0.019%); highest among the groups gnomAD compares: East Asian, 0.66%; 1 homozygote.

Submissions (3):

Labcorp Genetics (formerly Invitae), Labcorp
Classification: Likely benign. Last evaluated: 2025-07-08. Review status: criteria provided, single submitter. Criteria: Invitae Variant Classification Sherloc (09022015). Collection method: clinical testing. Allele origin: germline.

Eurofins Ntd Llc (ga)
Classification: Uncertain significance. Last evaluated: 2016-04-18. Review status: criteria provided, single submitter. Criteria: EGL Classification Definitions 2015. Collection method: clinical testing. Allele origin: germline. Observed: 1 variant allele, 1 heterozygote.

PreventionGenetics, part of Exact Sciences
Classification: Likely benign for TJP2-related condition. Last evaluated: 2024-02-27. Review status: no assertion criteria provided. Collection method: clinical testing. Allele origin: germline. Not counted in ClinVar's aggregate classification.
Comment: This variant is classified as likely benign based on ACMG/AMP sequence variant interpretation guidelines (Richards et al. 2015 PMID: 25741868, with internal and published modifications).